The following is an entry in ClinVar:

ClinVar aggregate classification (germline): Uncertain significance (1 of 4 stars; one submission).

Conditions:
POLD1-related polyposis and colorectal cancer syndrome (CRCS10). Also called: Colorectal cancer 10; COLORECTAL CANCER, SUSCEPTIBILITY TO, ON CHROMOSOME 19q; Colorectal cancer, susceptibility to, 10. Identifiers: Orphanet 220460, MedGen C2675481, MONDO:0012953, OMIM 612591.

Allele frequency attached by ClinVar (database versions not stated): gnomAD exomes below 0.00001.
gnomAD v4.1: 1 of 1,612,812 alleles (0.000062%); highest among the groups gnomAD compares: Non-Finnish European, 0.000085%; no homozygotes.

Submission:

Labcorp Genetics (formerly Invitae), Labcorp
Classification: Uncertain significance for POLD1-related polyposis and colorectal cancer syndrome. Last evaluated: 2021-06-25. Review status: criteria provided, single submitter. Criteria: Invitae Variant Classification Sherloc (09022015). Collection method: clinical testing. Allele origin: germline.
Comment: This variant is not present in population databases (ExAC no frequency). This variant has not been reported in the literature in individuals with POLD1-related conditions. Algorithms developed to predict the effect of missense changes on protein structure and function are either unavailable or do not agree on the potential impact of this missense change (SIFT: "Deleterious"; PolyPhen-2: "Probably Damaging"; Align-GVGD: "Class C15"). In summary, the available evidence is currently insufficient to determine the role of this variant in disease. Therefore, it has been classified as a Variant of Uncertain Significance. This sequence change replaces glycine with cysteine at codon 577 of the POLD1 protein (p.Gly577Cys). The glycine residue is moderately conserved and there is a large physicochemical difference between glycine and cysteine.

NM_002691.4(POLD1):c.1729G>T (p.Gly577Cys)

Gene: POLD1 (DNA polymerase delta 1, catalytic subunit; plus strand). Cytogenetic location: 19q13.33.
Variant type: single nucleotide variant.
Coding change: c.1729G>T on transcript NM_002691.4 (MANE Select); coding-DNA position 1729, G replaced by T.
Protein change: p.Gly577Cys; replaces glycine 577 with cysteine.
Molecular consequence: missense variant. On other transcripts: non-coding transcript variant (1).
Genome position (GRCh38, 1-based): chr19:50,407,369, G>T. VCF-style: chr19-50407369-G-T. GRCh37 (hg19) VCF-style: chr19-50910626-G-T.
Other names: c.1729G>T, p.Gly577Cys (NM_001256849.1, NM_001308632.1); short protein forms G577C.
Identifiers: ClinVar variation 1486762 (VCV001486762.8), dbSNP rs2038934806, ClinGen allele CA406981255.